The following is an entry in ClinVar:

ClinVar aggregate classification (germline): Likely pathogenic (1 of 4 stars; one submission).

Conditions:
TCOF1-related disorder. Also called: TCOF1-related condition.

Submission:

PreventionGenetics, part of Exact Sciences
Classification: Likely pathogenic for TCOF1-related condition. Last evaluated: 2025-07-26. Review status: criteria provided, single submitter. Criteria: ACMG Guidelines, 2015. Collection method: clinical testing. Allele origin: germline.
Comment: The TCOF1 c.861delA variant is predicted to result in a frameshift and premature protein termination (p.Arg288Glufs*4). To our knowledge, this variant has not been reported in the literature or in a large population database (gnomAD), indicating this variant is rare. Frameshift variants in TCOF1 are expected to be pathogenic. This variant is interpreted as likely pathogenic.

NM_001371623.1(TCOF1):c.861del (p.Arg288fs)

Gene: TCOF1 (treacle ribosome biogenesis factor 1; plus strand). Cytogenetic location: 5q32.
Variant type: Deletion.
Coding change: c.861del on transcript NM_001371623.1 (MANE Select); coding-DNA position 861, one base deleted (A; older notation c.861delA).
Protein change: p.Arg288fs; shifts the reading frame from arginine 288.
Molecular consequence: frameshift variant. On other transcripts: intron variant (3).
Genome position (GRCh38, 1-based): chr5:150,372,227, A deleted. VCF-style (leftmost placement, unchanged base first): chr5-150372226-CA-C. GRCh37 (hg19) VCF-style: chr5-149751789-CA-C.
Other names: c.861del, p.Arg288fs (NM_001008657.3, NM_001135243.2, NM_001135244.2 and 1 more transcripts); c.640-1947del (NM_001437406.1, NM_001135245.2, NM_000356.4); short protein forms R288fs.
Identifiers: ClinVar variation 5001173 (VCV005001173.1).